The following is an entry in ClinVar:

ClinVar aggregate classification (germline): Pathogenic (1 of 4 stars; one submission).

Conditions:
Cardiovascular phenotype. Identifiers: MedGen CN230736.
Hereditary cancer-predisposing syndrome. Also called: Neoplastic Syndromes, Hereditary; Tumor predisposition; Hereditary Cancer Syndrome; Hereditary neoplastic syndrome. Identifiers: Orphanet 140162, MedGen C0027672, MeSH D009386, MONDO:0015356.

Submission:

Ambry Genetics
Classification: Pathogenic for Cardiovascular phenotype; Hereditary cancer-predisposing syndrome. Last evaluated: 2020-01-07. Review status: criteria provided, single submitter. Criteria: Ambry Variant Classification Scheme 2023. Collection method: clinical testing. Allele origin: germline.
Comment: The c.6634delG pathogenic mutation, located in coding exon 43 of the NF1 gene, results from a deletion of one nucleotide at nucleotide position 6634, causing a translational frameshift with a predicted alternate stop codon (p.A2212Lfs*32). This alteration is expected to result in loss of function by premature protein truncation or nonsense-mediated mRNA decay. As such, this alteration is interpreted as a disease-causing mutation.

NM_001042492.3(NF1):c.6697del (p.Ala2233fs)

Gene: NF1 (neurofibromin 1; plus strand). Cytogenetic location: 17q11.2.
Variant type: Deletion.
Coding change: c.6697del on transcript NM_001042492.3 (MANE Select); coding-DNA position 6697, one base deleted (G; older notation c.6697delG).
Protein change: p.Ala2233fs; shifts the reading frame from alanine 2233.
Molecular consequence: frameshift variant.
Genome position (GRCh38, 1-based): chr17:31,337,873, G deleted. VCF-style (leftmost placement, unchanged base first): chr17-31337872-AG-A. GRCh37 (hg19) VCF-style: chr17-29664890-AG-A.
Other names: c.6634delG (NM_000267.3); c.6634delG, p.Ala2212Leufs (NM_000267.4); short protein forms A2212fs, A2233fs.
Identifiers: ClinVar variation 1754584 (VCV001754584.2), dbSNP rs2508757398, ClinGen allele CA2580093125.